The following is an entry in ClinVar:

ClinVar aggregate classification (germline): Uncertain significance (1 of 4 stars; one submission).

Submission:

GeneDx
Classification: Uncertain significance. Last evaluated: 2023-03-09. Review status: criteria provided, single submitter. Criteria: GeneDx Variant Classification Process June 2021. Collection method: clinical testing. Allele origin: germline. Affected: yes.
Comment: Not observed at significant frequency in large population cohorts (gnomAD); In silico analysis supports that this missense variant has a deleterious effect on protein structure/function; Has not been previously published as pathogenic or benign to our knowledge

NM_198904.4(GABRG2):c.330A>T (p.Glu110Asp)

Gene: GABRG2 (gamma-aminobutyric acid type A receptor subunit gamma2; plus strand). Cytogenetic location: 5q34.
Variant type: single nucleotide variant.
Coding change: c.330A>T on transcript NM_198904.4 (MANE Select); coding-DNA position 330, A replaced by T.
Protein change: p.Glu110Asp; replaces glutamic acid 110 with aspartic acid.
Molecular consequence: missense variant. On other transcripts: intron variant (2).
Genome position (GRCh38, 1-based): chr5:162,097,640, A>T. VCF-style: chr5-162097640-A-T. GRCh37 (hg19) VCF-style: chr5-161524646-A-T.
Other names: c.330A>T, p.Glu110Asp (NM_000816.3, NM_001375340.1, NM_001375341.1 and 4 more transcripts); c.321A>T, p.Glu107Asp (NM_001375339.1); c.264A>T, p.Glu88Asp (NM_001375345.1, NM_001375346.1); c.-31-60A>T (NM_001375350.1, NM_001375348.1); c.243A>T, p.Glu81Asp (NM_001375347.1); c.45A>T, p.Glu15Asp (NM_001375349.1); short protein forms E107D, E110D, E15D, E81D, E88D.
Identifiers: ClinVar variation 2580843 (VCV002580843.1), dbSNP rs2532568475, ClinGen allele CA362183661.